The following is an entry in ClinVar:

NM_001371986.1(UNC80):c.9311C>G (p.Ser3104Cys)

Gene: UNC80 (unc-80 homolog, NALCN channel complex subunit; plus strand). Cytogenetic location: 2q34.
Variant type: single nucleotide variant.
Coding change: c.9311C>G on transcript NM_001371986.1 (MANE Select); coding-DNA position 9311, C replaced by G.
Protein change: p.Ser3104Cys; replaces serine 3104 with cysteine.
Molecular consequence: missense variant. On other transcripts: intron variant (1).
Genome position (GRCh38, 1-based): chr2:209,984,909, C>G. VCF-style: chr2-209984909-C-G. GRCh37 (hg19) VCF-style: chr2-210849633-C-G.
Other names: c.9113C>G, p.Ser3038Cys (NM_032504.2); c.9044+2592C>G (NM_182587.4); short protein forms S3038C, S3104C.
Identifiers: ClinVar variation 2084595 (VCV002084595.3), dbSNP rs1291910620, ClinGen allele CA350415222.

ClinVar aggregate classification (germline): Uncertain significance (1 of 4 stars; one submission).

Allele frequency attached by ClinVar (database versions not stated): gnomAD exomes below 0.00001.
gnomAD v4.1: 3 of 1,551,034 alleles (0.00019%); highest among the groups gnomAD compares: African/African-American, 0.0014%; no homozygotes.

Submission:

Labcorp Genetics (formerly Invitae), Labcorp
Classification: Uncertain significance. Last evaluated: 2022-04-04. Review status: criteria provided, single submitter. Criteria: Invitae Variant Classification Sherloc (09022015). Collection method: clinical testing. Allele origin: germline.
Comment: This sequence change replaces serine, which is neutral and polar, with cysteine, which is neutral and slightly polar, at codon 3038 of the UNC80 protein (p.Ser3038Cys). This variant is present in population databases (no rsID available, gnomAD 0.002%). This variant has not been reported in the literature in individuals affected with UNC80-related conditions. Algorithms developed to predict the effect of missense changes on protein structure and function are either unavailable or do not agree on the potential impact of this missense change (SIFT: "Not Available"; PolyPhen-2: "Probably Damaging"; Align-GVGD: "Not Available"). In summary, the available evidence is currently insufficient to determine the role of this variant in disease. Therefore, it has been classified as a Variant of Uncertain Significance.